The following is an entry in ClinVar:

NM_021831.6(AGBL5):c.418G>A (p.Val140Ile)

Gene: AGBL5 (AGBL carboxypeptidase 5; plus strand). Cytogenetic location: 2p23.3.
Variant type: single nucleotide variant.
Coding change: c.418G>A on transcript NM_021831.6 (MANE Select); coding-DNA position 418, G replaced by A.
Protein change: p.Val140Ile; replaces valine 140 with isoleucine.
Molecular consequence: missense variant. On other transcripts: non-coding transcript variant (2).
Genome position (GRCh38, 1-based): chr2:27,053,926, G>A. VCF-style: chr2-27053926-G-A. GRCh37 (hg19) VCF-style: chr2-27276794-G-A.
Other names: c.418G>A, p.Val140Ile (NM_001035507.3, NM_001035506.1); short protein forms V140I.
Identifiers: ClinVar variation 1970301 (VCV001970301.5), dbSNP rs2465441791, ClinGen allele CA346171000.

ClinVar aggregate classification (germline): Uncertain significance (1 of 4 stars; one submission).

Allele frequency attached by ClinVar (database versions not stated): gnomAD exomes below 0.00001.

Submission:

Labcorp Genetics (formerly Invitae), Labcorp
Classification: Uncertain significance. Last evaluated: 2025-05-16. Review status: criteria provided, single submitter. Criteria: Invitae Variant Classification Sherloc (09022015). Collection method: clinical testing. Allele origin: germline.
Comment: This sequence change replaces valine, which is neutral and non-polar, with isoleucine, which is neutral and non-polar, at codon 140 of the AGBL5 protein (p.Val140Ile). This variant is not present in population databases (gnomAD no frequency). This variant has not been reported in the literature in individuals affected with AGBL5-related conditions. ClinVar contains an entry for this variant (Variation ID: 1970301). An algorithm developed to predict the effect of missense changes on protein structure and function outputs the following: PolyPhen-2: "Benign". The isoleucine amino acid residue is found in multiple mammalian species, which suggests that this missense change does not adversely affect protein function. In summary, the available evidence is currently insufficient to determine the role of this variant in disease. Therefore, it has been classified as a Variant of Uncertain Significance.